The following is an entry in ClinVar:

ClinVar aggregate classification (germline): Conflicting classifications of pathogenicity. Review status: criteria provided, conflicting classifications (1 of 4 stars). 2 submissions from 2 submitters: Uncertain significance (1); Likely benign (1). Last evaluated 2024-11-26.

Allele frequency attached by ClinVar (database versions not stated): gnomAD exomes 0.00002 and 0.00003; ExAC 0.00003; gnomAD 0.00023 and 0.00025; ESP Exome Variant Server 0.00025; TOPMed 0.00028.
gnomAD v4.1: 63 of 1,596,304 alleles (0.0039%); highest among the groups gnomAD compares: African/African-American, 0.076%; no homozygotes.

Submissions (2):

Blueprint Genetics
Classification: Likely benign. Last evaluated: 2024-11-26. Review status: criteria provided, single submitter. Criteria: ACMG Guidelines, 2015. Collection method: clinical testing. Allele origin: germline.

Labcorp Genetics (formerly Invitae), Labcorp
Classification: Uncertain significance. Last evaluated: 2022-10-04. Review status: criteria provided, single submitter. Criteria: Invitae Variant Classification Sherloc (09022015). Collection method: clinical testing. Allele origin: germline.
Comment: This sequence change replaces aspartic acid, which is acidic and polar, with asparagine, which is neutral and polar, at codon 67 of the CEP78 protein (p.Asp67Asn). This variant is present in population databases (rs376672047, gnomAD 0.07%). This variant has not been reported in the literature in individuals affected with CEP78-related conditions. ClinVar contains an entry for this variant (Variation ID: 963903). Advanced modeling of protein sequence and biophysical properties (such as structural, functional, and spatial information, amino acid conservation, physicochemical variation, residue mobility, and thermodynamic stability) performed at Invitae indicates that this missense variant is not expected to disrupt CEP78 protein function. In summary, the available evidence is currently insufficient to determine the role of this variant in disease. Therefore, it has been classified as a Variant of Uncertain Significance.

NM_001330691.3(CEP78):c.199G>A (p.Asp67Asn)

Gene: CEP78 (centrosomal protein 78; plus strand). Cytogenetic location: 9q21.2.
Variant type: single nucleotide variant.
Coding change: c.199G>A on transcript NM_001330691.3 (MANE Select); coding-DNA position 199, G replaced by A.
Protein change: p.Asp67Asn; replaces aspartic acid 67 with asparagine.
Molecular consequence: missense variant.
Genome position (GRCh38, 1-based): chr9:78,236,549, G>A. VCF-style: chr9-78236549-G-A. GRCh37 (hg19) VCF-style: chr9-80851465-G-A.
Other names: c.199G>A, p.Asp67Asn (NM_001098802.3, NM_001330693.3, NM_001330694.2 and 4 more transcripts); short protein forms D67N.
Identifiers: ClinVar variation 963903 (VCV000963903.6), dbSNP rs376672047, ClinGen allele CA5094835.